The following is an entry in ClinVar:

NM_001184.4(ATR):c.7499A>C (p.Asn2500Thr)

Gene: ATR (ATR checkpoint kinase; minus strand). Cytogenetic location: 3q23.
Variant type: single nucleotide variant.
Coding change: c.7499A>C on transcript NM_001184.4 (MANE Select); coding-DNA position 7499, A replaced by C.
Protein change: p.Asn2500Thr; replaces asparagine 2500 with threonine.
Molecular consequence: missense variant.
Genome position (GRCh38, 1-based): chr3:142,458,962, T>G on the plus strand (A>C on the coding strand, the complement: ATR is on the minus strand). VCF-style: chr3-142458962-T-G. GRCh37 (hg19) VCF-style: chr3-142177804-T-G.
Other names: c.7307A>C, p.Asn2436Thr (NM_001354579.2); short protein forms N2436T, N2500T.
Identifiers: ClinVar variation 4729114 (VCV004729114.1).
Genomic context (GRCh38, chr3:142,458,962, plus strand): 5'-TGAGAAAAGGAAATTGAGAGAAAACACAATTAGTAAGAGTAACTCATATCACATACCTTA[T>G]TGAAAAGACAATTGAAATCTACATGTACGCATTCACCAGTCAAAGAATCAAAGAGAATAT-3'
Protein context (NP_001175.2, residues 2490-2510): CVHVDFNCLF[Asn2500Thr]KGETFEVPEI

ClinVar aggregate classification (germline): Uncertain significance (1 of 4 stars; one submission).

Submission:

Labcorp Genetics (formerly Invitae), Labcorp
Classification: Uncertain significance. Last evaluated: 2025-10-13. Review status: criteria provided, single submitter. Criteria: Invitae Variant Classification Sherloc (09022015). Collection method: clinical testing. Allele origin: germline.
Comment: This sequence change replaces asparagine, which is neutral and polar, with threonine, which is neutral and polar, at codon 2500 of the ATR protein (p.Asn2500Thr). This variant is not present in population databases (gnomAD no frequency). This variant has not been reported in the literature in individuals affected with ATR-related conditions. An algorithm developed to predict the effect of missense changes on protein structure and function (PolyPhen-2) suggests that this variant is likely to be disruptive. In summary, the available evidence is currently insufficient to determine the role of this variant in disease. Therefore, it has been classified as a Variant of Uncertain Significance.